The following is an entry in ClinVar:

ClinVar aggregate classification (germline): Likely pathogenic. Review status: criteria provided, multiple submitters, no conflicts (2 of 4 stars). 2 submissions from 2 submitters: Likely pathogenic (2). Last evaluated 2023-11-20.

Conditions:
Primary erythromelalgia. Also called: SCN9A Erythromelalgia (SCN9A-EM); primary erythermalgia. Identifiers: Orphanet 306577, Orphanet 90026, MedGen C0014805, MONDO:0007571, OMIM 133020.
Channelopathy-associated congenital insensitivity to pain, autosomal recessive. Also called: ASYMBOLIA FOR PAIN; CONGENITAL ANALGESIA, AUTOSOMAL RECESSIVE; Insensitivity to pain, channelopathy-associated. Identifiers: Orphanet 88642, Orphanet 970, MedGen C1855739, MONDO:0009459, OMIM 243000.

Allele frequency attached by ClinVar (database versions not stated): gnomAD exomes below 0.00001.
gnomAD v4.1: 1 of 1,582,310 alleles (0.000063%); highest among the groups gnomAD compares: Non-Finnish European, 0.000086%; no homozygotes.

Submissions (2):

Institute of Human Genetics, University of Leipzig Medical Center
Classification: Likely pathogenic for Channelopathy-associated congenital insensitivity to pain, autosomal recessive. Last evaluated: 2023-11-20. Review status: criteria provided, single submitter. Criteria: ACMG Guidelines, 2015. Collection method: clinical testing. Allele origin: unknown. Inheritance: Autosomal recessive inheritance. Affected: yes.
Comment: Criteria applied: PVS1,PM2_SUP

Baylor Genetics
Classification: Likely pathogenic for Primary erythromelalgia. Last evaluated: 2019-07-27. Review status: criteria provided, single submitter. Criteria: ACMG Guidelines, 2015. Collection method: clinical testing. Allele origin: unknown. Affected: yes.
Comment: This variant was determined to be likely pathogenic according to ACMG Guidelines, 2015 [PMID:25741868].

NM_001365536.1(SCN9A):c.901A>T (p.Lys301Ter)

Gene: SCN9A (sodium voltage-gated channel alpha subunit 9; minus strand). Cytogenetic location: 2q24.3.
Variant type: single nucleotide variant.
Coding change: c.901A>T on transcript NM_001365536.1 (MANE Select); coding-DNA position 901, A replaced by T.
Protein change: p.Lys301Ter; replaces lysine 301 with a stop codon.
Molecular consequence: nonsense.
Genome position (GRCh38, 1-based): chr2:166,303,090, T>A on the plus strand (A>T on the coding strand, the complement: SCN9A is on the minus strand). VCF-style: chr2-166303090-T-A. GRCh37 (hg19) VCF-style: chr2-167159600-T-A.
Other names: c.901A>T, p.Lys301Ter (NM_002977.4); short protein forms K301*.
Identifiers: ClinVar variation 1028064 (VCV001028064.4), dbSNP rs1553495048, ClinGen allele CA349091597.
Genomic context (GRCh38, chr2:166,303,090, plus strand): 5'-AAAGAGAGCAATGTTTTTAGCATTATTTCAACCTAATAACAAATGCAAGGACATTCTTAC[T>A]TCTAAAGTCTTCTTCACTCTCTAGGGTATTCATTATGCTTTCTAATGTTTCATTATTTTC-3'